The following is an entry in ClinVar:

NM_000088.4(COL1A1):c.1601del (p.Leu534fs)

Gene: COL1A1 (collagen type I alpha 1 chain; minus strand). Cytogenetic location: 17q21.33.
Variant type: Deletion.
Coding change: c.1601del on transcript NM_000088.4 (MANE Select); coding-DNA position 1601, one base deleted (T; older notation c.1601delT).
Protein change: p.Leu534fs; shifts the reading frame from leucine 534.
Molecular consequence: frameshift variant.
Genome position (GRCh38, 1-based): chr17:50,194,362, A deleted on the plus strand (T on the coding strand, the reverse complement: COL1A1 is on the minus strand). VCF-style (leftmost placement, unchanged base first): chr17-50194361-CA-C. GRCh37 (hg19) VCF-style: chr17-48271722-CA-C.
Other names: short protein forms L534fs.
Identifiers: ClinVar variation 804564 (VCV000804564.1), dbSNP rs1598295506, ClinGen allele CA915950611.

ClinVar aggregate classification (germline): Pathogenic (1 of 4 stars; one submission).

Submission:

Athena Diagnostics
Classification: Pathogenic. Last evaluated: 2018-12-18. Review status: criteria provided, single submitter. Criteria: Athena Diagnostics Criteria. Collection method: clinical testing. Allele origin: germline.
Comment: The variant results in a shift of the reading frame, and is therefore predicted to result in the loss of a functional protein. Found in at least one symptomatic patient, and not found in general population data.